The following is an entry in ClinVar:

NM_139276.3(STAT3):c.508G>T (p.Asp170Tyr)

Gene: STAT3 (signal transducer and activator of transcription 3; minus strand). Cytogenetic location: 17q21.2.
Variant type: single nucleotide variant.
Coding change: c.508G>T on transcript NM_139276.3 (MANE Select); coding-DNA position 508, G replaced by T.
Protein change: p.Asp170Tyr; replaces aspartic acid 170 with tyrosine.
Molecular consequence: missense variant.
Genome position (GRCh38, 1-based): chr17:42,338,773, C>A on the plus strand (G>T on the coding strand, the complement: STAT3 is on the minus strand). VCF-style: chr17-42338773-C-A. GRCh37 (hg19) VCF-style: chr17-40490791-C-A.
Other names: c.508G>T, p.Asp170Tyr (NM_001369512.1, NM_001369513.1, NM_001369514.1 and 15 more transcripts); c.430G>T, p.Asp144Tyr (NM_001384985.1); c.412G>T, p.Asp138Tyr (NM_001384989.1); short protein forms D144Y, D170Y, D138Y.
Identifiers: ClinVar variation 1366042 (VCV001366042.6), dbSNP rs2144887991, ClinGen allele CA399594776.
Genomic context (GRCh38, chr17:42,338,773, plus strand): 5'-TCTCTAATATTCACTTGCCTCCTTGACTCTTGAGGGTTTTATAGTTGAAATCAAAGTCAT[C>A]CTGGAGATTCTCTACCACTTTCATTTTCTGTTCTAGATCCTGTTTAAAATAAGCAAACAA-3'
Protein context (NP_644805.1, residues 160-180): QKMKVVENLQ[Asp170Tyr]DFDFNYKTLK

ClinVar aggregate classification (germline): Uncertain significance (1 of 4 stars; one submission).

Conditions:
STAT3 gain of function. Identifiers: MedGen C4288261.
Hyper-IgE recurrent infection syndrome 1, autosomal dominant. Also called: HYPER-IgE SYNDROME 1, AUTOSOMAL DOMINANT, WITH RECURRENT INFECTIONS; JOB SYNDROME; Job's Syndrome; STAT3 Hyper IgE Syndrome; Hyper-IgE recurrent infection syndrome 1. Identifiers: Orphanet 2314, MedGen C2936739, MONDO:0007818, OMIM 147060.

Submission:

Labcorp Genetics (formerly Invitae), Labcorp
Classification: Uncertain significance for STAT3 gain of function; Hyper-IgE recurrent infection syndrome 1, autosomal dominant. Last evaluated: 2022-08-09. Review status: criteria provided, single submitter. Criteria: Invitae Variant Classification Sherloc (09022015). Collection method: clinical testing. Allele origin: germline.
Comment: This variant is not present in population databases (gnomAD no frequency). This sequence change replaces aspartic acid, which is acidic and polar, with tyrosine, which is neutral and polar, at codon 170 of the STAT3 protein (p.Asp170Tyr). This variant has not been reported in the literature in individuals affected with STAT3-related conditions. In summary, the available evidence is currently insufficient to determine the role of this variant in disease. Therefore, it has been classified as a Variant of Uncertain Significance. Algorithms developed to predict the effect of sequence changes on RNA splicing suggest that this variant may create or strengthen a splice site. Advanced modeling of protein sequence and biophysical properties (such as structural, functional, and spatial information, amino acid conservation, physicochemical variation, residue mobility, and thermodynamic stability) performed at Invitae indicates that this missense variant is expected to disrupt STAT3 protein function. ClinVar contains an entry for this variant (Variation ID: 1366042).